The following is an entry in ClinVar:

NM_003590.5(CUL3):c.994G>T (p.Glu332Ter)

Gene: CUL3 (cullin 3; minus strand). Cytogenetic location: 2q36.2.
Variant type: single nucleotide variant.
Coding change: c.994G>T on transcript NM_003590.5 (MANE Select); coding-DNA position 994, G replaced by T.
Protein change: p.Glu332Ter; replaces glutamic acid 332 with a stop codon.
Molecular consequence: nonsense.
Genome position (GRCh38, 1-based): chr2:224,506,893, C>A on the plus strand (G>T on the coding strand, the complement: CUL3 is on the minus strand). VCF-style: chr2-224506893-C-A. GRCh37 (hg19) VCF-style: chr2-225371610-C-A.
Other names: c.796G>T, p.Glu266Ter (NM_001257197.2); c.1012G>T, p.Glu338Ter (NM_001257198.2); short protein forms E266*, E338*, E332*.
Identifiers: ClinVar variation 4991810 (VCV004991810.1).
Genomic context (GRCh38, chr2:224,506,893, plus strand): 5'-CAGAGAATCTTCTGGGTTTACTTACCTGGATATAGTCAACAGGATTCTTTCCTTCTCCTT[C>A]TTCAGAAACAAGAGCTTTACCTTGCTCCCTCAAATAGGAACTCATACACTCACACATTGT-3'

ClinVar aggregate classification (germline): Likely pathogenic (1 of 4 stars; one submission).

Conditions:
CUL3-related disorder. Also called: CUL3-related condition; CUL3-related disorders.

Submission:

PreventionGenetics, part of Exact Sciences
Classification: Likely pathogenic for CUL3-related condition. Last evaluated: 2026-04-09. Review status: criteria provided, single submitter. Criteria: ACMG Guidelines, 2015. Collection method: clinical testing. Allele origin: germline.
Comment: The CUL3 c.994G>T variant is predicted to result in premature protein termination (p.Glu332*). To our knowledge, this variant has not been reported in the literature or in a large population database (gnomAD), indicating this variant is rare. Nonsense variants in CUL3 are expected to be pathogenic. This variant is interpreted as likely pathogenic.